The following is an entry in ClinVar:

ClinVar aggregate classification (germline): Likely pathogenic (1 of 4 stars; one submission).

Submission:

Quest Diagnostics Nichols Institute San Juan Capistrano
Classification: Likely pathogenic. Last evaluated: 2024-04-10. Review status: criteria provided, single submitter. Criteria: Quest Diagnostics criteria. Collection method: clinical testing. Allele origin: unknown.
Comment: The NF1 c.5040del (p.Gly1681Valfs*8) variant alters the translational reading frame of the NF1 mRNA and is predicted to cause the premature termination of NF1 protein synthesis. This variant has been reported in the published literature in an individual suspected of a RASopathy (PMID: 31573083 (2020)). This variant has not been reported in large, multi-ethnic general populations (Genome Aggregation Database). Based on the available information, this variant is classified as likely pathogenic.

Literature cited by the submitters: PubMed 31573083.

NM_001042492.3(NF1):c.5103del (p.Gly1702fs)

Gene: NF1 (neurofibromin 1; plus strand). Cytogenetic location: 17q11.2.
Variant type: Deletion.
Coding change: c.5103del on transcript NM_001042492.3 (MANE Select); coding-DNA position 5103, one base deleted (A; older notation c.5103delA).
Protein change: p.Gly1702fs; shifts the reading frame from glycine 1702.
Molecular consequence: frameshift variant.
Genome position (GRCh38, 1-based): chr17:31,326,087, A deleted; the last of 3 consecutive A bases (chr17:31,326,085-31,326,087); deleting any one gives the same sequence. VCF-style (leftmost placement, unchanged base first): chr17-31326084-CA-C. GRCh37 (hg19) VCF-style: chr17-29653102-CA-C.
Other names: c.5040delA, p.Gly1681Valfs (NM_000267.4); short protein forms G1681fs, G1702fs.
Identifiers: ClinVar variation 3572039 (VCV003572039.1).